The following is an entry in ClinVar:

NM_001291303.3(FAT4):c.4411A>G (p.Ile1471Val)

Gene: FAT4 (FAT atypical cadherin 4; plus strand). Cytogenetic location: 4q28.1.
Variant type: single nucleotide variant.
Coding change: c.4411A>G on transcript NM_001291303.3 (MANE Select); coding-DNA position 4411, A replaced by G.
Protein change: p.Ile1471Val; replaces isoleucine 1471 with valine.
Molecular consequence: missense variant.
Genome position (GRCh38, 1-based): chr4:125,320,822, A>G. VCF-style: chr4-125320822-A-G. GRCh37 (hg19) VCF-style: chr4-126241977-A-G.
Other names: c.4411A>G, p.Ile1471Val (NM_001291285.3, NM_024582.6); short protein forms I1471V.
Identifiers: ClinVar variation 1038365 (VCV001038365.5), dbSNP rs1730909137, ClinGen allele CA358126352.
Genomic context (GRCh38, chr4:125,320,822, plus strand): 5'-ATTAATGGTCAACTATCCTACACAATCATTCAACAGATGCCAAGAGGCAACCACTTTACC[A>G]TAGATGAAGTCAAAGGGACTATATATACTAATGCTGAAATAGATCGGGAATTTGCTAATC-3'
Protein context (NP_001278232.1, residues 1461-1481): QQMPRGNHFT[Ile1471Val]DEVKGTIYTN

ClinVar aggregate classification (germline): Uncertain significance (1 of 4 stars; one submission).

Allele frequency attached by ClinVar (database versions not stated): gnomAD exomes below 0.00001; TOPMed below 0.00001.
gnomAD v4.1: 7 of 1,614,160 alleles (0.00043%); highest among the groups gnomAD compares: African/African-American, 0.0013%; no homozygotes.

Submission:

Labcorp Genetics (formerly Invitae), Labcorp
Classification: Uncertain significance. Last evaluated: 2024-11-03. Review status: criteria provided, single submitter. Criteria: Invitae Variant Classification Sherloc (09022015). Collection method: clinical testing. Allele origin: germline.
Comment: This sequence change replaces isoleucine, which is neutral and non-polar, with valine, which is neutral and non-polar, at codon 1471 of the FAT4 protein (p.Ile1471Val). This variant is not present in population databases (gnomAD no frequency). This variant has not been reported in the literature in individuals affected with FAT4-related conditions. ClinVar contains an entry for this variant (Variation ID: 1038365). Invitae Evidence Modeling of protein sequence and biophysical properties (such as structural, functional, and spatial information, amino acid conservation, physicochemical variation, residue mobility, and thermodynamic stability) indicates that this missense variant is not expected to disrupt FAT4 protein function with a negative predictive value of 80%. In summary, the available evidence is currently insufficient to determine the role of this variant in disease. Therefore, it has been classified as a Variant of Uncertain Significance.